The following is an entry in ClinVar:

NM_000051.4(ATM):c.7103C>A (p.Ala2368Asp)

Genes: ATM (ATM serine/threonine kinase; plus strand), C11orf65 (chromosome 11 open reading frame 65; minus strand). Cytogenetic location: 11q22.3.
Variant type: single nucleotide variant.
Coding change: c.7103C>A on transcript NM_000051.4 (MANE Select); coding-DNA position 7103, C replaced by A.
Protein change: p.Ala2368Asp; replaces alanine 2368 with aspartic acid.
Molecular consequence: missense variant. On other transcripts: intron variant (2).
Genome position (GRCh38, 1-based): chr11:108,329,034, C>A. VCF-style: chr11-108329034-C-A. GRCh37 (hg19) VCF-style: chr11-108199761-C-A.
Other names: c.7103C>A, p.Ala2368Asp (NM_001351834.2); c.641-19963G>T (NM_001330368.2); c.*38+6186G>T (NM_001351110.2); short protein forms A2368D.
Identifiers: ClinVar variation 2774709 (VCV002774709.2), dbSNP rs1591150471, ClinGen allele CA382559404.

ClinVar aggregate classification (germline): Uncertain significance. Review status: criteria provided, multiple submitters, no conflicts (2 of 4 stars). 2 submissions from 2 submitters: Uncertain significance (2). Last evaluated 2026-07-10.

Conditions:
Hereditary cancer-predisposing syndrome. Also called: Tumor predisposition; Neoplastic Syndromes, Hereditary; Hereditary Cancer Syndrome; Hereditary neoplastic syndrome. Identifiers: Orphanet 140162, MedGen C0027672, MeSH D009386, MONDO:0015356.

Submissions (2):

Ambry Genetics
Classification: Uncertain significance for Hereditary cancer-predisposing syndrome. Last evaluated: 2026-07-10. Review status: criteria provided, single submitter. Criteria: Ambry Variant Classification Scheme 2023. Collection method: clinical testing. Allele origin: germline.
Comment: The p.A2368D variant (also known as c.7103C>A), located in coding exon 48 of the ATM gene, results from a C to A substitution at nucleotide position 7103. The alanine at codon 2368 is replaced by aspartic acid, an amino acid with dissimilar properties. In an assay testing ATM function, this variant showed a functionally normal result (Lee KS et al. Cell, 2025 Sep;188:5081-5099.e27). This amino acid position is not well conserved in available vertebrate species. In addition, the in silico prediction for this alteration is inconclusive. Based on the available evidence, the clinical significance of this variant remains unclear.

Color Diagnostics, LLC DBA Color Health
Classification: Uncertain significance for Hereditary cancer-predisposing syndrome. Last evaluated: 2024-03-06. Review status: criteria provided, single submitter. Criteria: ACMG Guidelines, 2015. Collection method: clinical testing. Allele origin: germline.
Comment: This missense variant replaces alanine with aspartic acid at codon 2368 of the ATM protein. Computational prediction suggests that this variant may not impact protein structure and function (internally defined REVEL score threshold <= 0.5, PMID: 27666373). To our knowledge, functional studies have not been reported for this variant. This variant has not been reported in individuals affected with hereditary cancer in the literature. This variant has not been identified in the general population by the Genome Aggregation Database (gnomAD). The available evidence is insufficient to determine the role of this variant in disease conclusively. Therefore, this variant is classified as a Variant of Uncertain Significance.

Literature cited by the submitters: PubMed 40580951 (cited by Ambry Genetics).